The following is an entry in ClinVar:

NM_012452.3(TNFRSF13B):c.560AGA[1] (p.Lys188del)

Gene: TNFRSF13B (TNF receptor superfamily member 13B; minus strand). Cytogenetic location: 17p11.2.
Variant type: Microsatellite.
Coding change: c.560AGA[1] on transcript NM_012452.3 (MANE Select); one copy of the 3-base unit AGA starting at c.560; the reference has two copies in a row; one copy, 3 bases deleted.
Protein change: p.Lys188del; deletes lysine 188.
Molecular consequence: inframe deletion.
Genome position (GRCh38, 1-based): chr17:16,940,392-16,940,394, TCT deleted on the plus strand (AGA on the coding strand, the reverse complement: TNFRSF13B is on the minus strand); deleting any 3 consecutive bases within chr17:16,940,392-16,940,398 gives the same sequence; the position shown is the placement nearest the transcript's 3' end. VCF-style (leftmost placement, unchanged base first): chr17-16940391-CTCT-C. GRCh37 (hg19) VCF-style: chr17-16843705-CTCT-C.
Other names: c.563_565delAGA (NM_012452.2); short protein forms K188del.
Identifiers: ClinVar variation 538716 (VCV000538716.12), dbSNP rs376630110, ClinGen allele CA8413947.

ClinVar aggregate classification (germline): Benign. Review status: criteria provided, single submitter (1 of 4 stars). 2 submissions from 2 submitters: Benign (1). 1 of the submissions does not count toward it. Last evaluated 2025-12-26.

Conditions:
TNFRSF13B-related disorder. Also called: TNFRSF13B-related condition.
Immunodeficiency, common variable, 2 (CVID2). Also called: ANTIBODY DEFICIENCY DUE TO TACI DEFECT; HYPOGAMMAGLOBULINEMIA DUE TO TACI DEFICIENCY. Identifiers: Orphanet 1572, MedGen C3150354, MONDO:0009413, OMIM 240500.

Submissions (2):

Labcorp Genetics (formerly Invitae), Labcorp
Classification: Benign for Immunodeficiency, common variable, 2. Last evaluated: 2025-12-26. Review status: criteria provided, single submitter. Criteria: Invitae Variant Classification Sherloc (09022015). Collection method: clinical testing. Allele origin: germline.

PreventionGenetics, part of Exact Sciences
Classification: Benign for TNFRSF13B-related condition. Last evaluated: 2019-05-08. Review status: no assertion criteria provided. Collection method: clinical testing. Allele origin: germline. Not counted in ClinVar's aggregate classification.
Comment: This variant is classified as benign based on ACMG/AMP sequence variant interpretation guidelines (Richards et al. 2015 PMID: 25741868, with internal and published modifications).